The following is an entry in ClinVar:

ClinVar aggregate classification (germline): Uncertain significance (1 of 4 stars; one submission).

Submission:

GeneDx
Classification: Uncertain significance. Last evaluated: 2019-10-07. Review status: criteria provided, single submitter. Criteria: GeneDx Variant Classification Process June 2021. Collection method: clinical testing. Allele origin: germline. Affected: yes.
Comment: Not observed in large population cohorts (Lek et al., 2016); In silico analysis, which includes protein predictors and evolutionary conservation, supports a deleterious effect; Has not been previously published as pathogenic or benign to our knowledge

NM_004408.4(DNM1):c.580G>A (p.Asp194Asn)

Genes: DNM1 (dynamin 1; plus strand), LOC113839516 (Sharpr-MPRA regulatory region 8497; plus strand). Cytogenetic location: 9q34.11.
Variant type: single nucleotide variant.
Coding change: c.580G>A on transcript NM_004408.4 (MANE Select); coding-DNA position 580, G replaced by A.
Protein change: p.Asp194Asn; replaces aspartic acid 194 with asparagine.
Molecular consequence: missense variant.
Genome position (GRCh38, 1-based): chr9:128,219,243, G>A. VCF-style: chr9-128219243-G-A. GRCh37 (hg19) VCF-style: chr9-130981522-G-A.
Other names: c.580G>A, p.Asp194Asn (NM_001005336.3, NM_001288737.2, NM_001288738.2 and 2 more transcripts); short protein forms D194N.
Identifiers: ClinVar variation 1308820 (VCV001308820.2), dbSNP rs2131153150, ClinGen allele CA375011710.